The following is an entry in ClinVar:

NM_001127222.2(CACNA1A):c.6284G>T (p.Arg2095Leu)

Gene: CACNA1A (calcium voltage-gated channel subunit alpha1 A; minus strand). Cytogenetic location: 19p13.13.
Variant type: single nucleotide variant.
Coding change: c.6284G>T on transcript NM_001127222.2 (MANE Select); coding-DNA position 6284, G replaced by T.
Protein change: p.Arg2095Leu; replaces arginine 2095 with leucine.
Molecular consequence: missense variant.
Genome position (GRCh38, 1-based): chr19:13,212,122, C>A on the plus strand (G>T on the coding strand, the complement: CACNA1A is on the minus strand). VCF-style: chr19-13212122-C-A. GRCh37 (hg19) VCF-style: chr19-13322936-C-A.
Other names: c.6302G>T, p.Arg2101Leu (NM_000068.4, NM_023035.3); c.6287G>T, p.Arg2096Leu (NM_001127221.2); c.6293G>T, p.Arg2098Leu (NM_001174080.2); short protein forms R2096L, R2101L, R2098L, R2095L.
Identifiers: ClinVar variation 5009647 (VCV005009647.1).
Genomic context (GRCh38, chr19:13,212,122, plus strand): 5'-AGTGAGGGGTCCAGCCCCAGGGCAGTGGTGAAAGCCCTCACCTGGTTCTCTGCAGGGAGG[C>A]GGGGCATGGAGGCAGCCCGGCCCTGGCCTTCCATGGGGAGGTAGTGCTCGCTGTCGGAGT-3'
Protein context (NP_001120694.1, residues 2085-2105): EGQGRAASMP[Arg2095Leu]LPAENQRRRG

ClinVar aggregate classification (germline): Uncertain significance (1 of 4 stars; one submission).

Submission:

GeneDx
Classification: Uncertain significance. Last evaluated: 2026-02-18. Review status: criteria provided, single submitter. Criteria: GeneDx Variant Classification Process June 2021. Collection method: clinical testing. Allele origin: germline.
Comment: Not observed at significant frequency in large population cohorts (gnomAD); In silico analysis supports that this missense variant has a deleterious effect on protein structure/function; Has not been previously published as pathogenic or benign to our knowledge